The following is an entry in ClinVar:

ClinVar aggregate classification (germline): Likely benign (1 of 4 stars; one submission).

Allele frequency attached by ClinVar (database versions not stated): gnomAD 0.00769 and 0.00823; 1000 Genomes Project 0.00879; TOPMed 0.00898; 1000 Genomes Project 30x 0.01015.
gnomAD v4.1: 1,161 of 152,214 alleles (0.76%); highest among the groups gnomAD compares: African/African-American, 2.7%; 19 homozygotes.

Submission:

GeneDx
Classification: Likely benign. Last evaluated: 2018-06-20. Review status: criteria provided, single submitter. Criteria: GeneDx Variant Classification (06012015). Collection method: clinical testing. Allele origin: germline. Affected: yes.
Comment: This variant is considered likely benign or benign based on one or more of the following criteria: it is a conservative change, it occurs at a poorly conserved position in the protein, it is predicted to be benign by multiple in silico algorithms, and/or has population frequency not consistent with disease.

NM_001042492.3(NF1):c.1063-205G>A

Gene: NF1 (neurofibromin 1; plus strand). Cytogenetic location: 17q11.2.
Variant type: single nucleotide variant.
Coding change: c.1063-205G>A on transcript NM_001042492.3 (MANE Select); 205 bases into the intron before coding-DNA position 1063, G replaced by A.
Molecular consequence: intron variant.
Genome position (GRCh38, 1-based): chr17:31,200,832, G>A. VCF-style: chr17-31200832-G-A. GRCh37 (hg19) VCF-style: chr17-29527850-G-A.
Other names: c.1063-205G>A (NM_000267.4, NM_001128147.3).
Identifiers: ClinVar variation 561485 (VCV000561485.1), dbSNP rs9893929, ClinGen allele CA289348959.